The following is an entry in ClinVar:

ClinVar aggregate classification (germline): Benign/Likely benign. Review status: criteria provided, multiple submitters, no conflicts (2 of 4 stars). 7 submissions from 7 submitters: Benign (1); Likely benign (6). Last evaluated 2026-01-18.

Conditions:
Classic or attenuated familial adenomatous polyposis. Identifiers: MedGen CN372698, MONDO:0021057.
Hereditary cancer-predisposing syndrome. Also called: Hereditary neoplastic syndrome; Tumor predisposition; Neoplastic Syndromes, Hereditary; Hereditary Cancer Syndrome. Identifiers: Orphanet 140162, MedGen C0027672, MeSH D009386, MONDO:0015356.
Familial adenomatous polyposis 1 (FAP1). Also called: FAMILIAL ADENOMATOUS POLYPOSIS 1, ATTENUATED; POLYPOSIS, ADENOMATOUS INTESTINAL. Identifiers: MedGen C2713442, MONDO:0021056, OMIM 175100. Disease mechanism: loss of function.

Allele frequency attached by ClinVar (database versions not stated): gnomAD exomes below 0.00001; TOPMed below 0.00001; gnomAD 0.00001.
gnomAD v4.1: 32 of 1,613,890 alleles (0.002%); highest among the groups gnomAD compares: Non-Finnish European, 0.0026%; no homozygotes.

Submissions (7):

Labcorp Genetics (formerly Invitae), Labcorp
Classification: Likely benign for Familial adenomatous polyposis 1. Last evaluated: 2026-01-18. Review status: criteria provided, single submitter. Criteria: Invitae Variant Classification Sherloc (09022015). Collection method: clinical testing. Allele origin: germline.

Myriad Genetics, Inc.
Classification: Benign for Familial adenomatous polyposis 1. Last evaluated: 2024-04-11. Review status: criteria provided, single submitter. Criteria: Myriad Autosomal Dominant, Autosomal Recessive and X-Linked Classification Criteria (2023). Collection method: clinical testing. Allele origin: unknown.
Comment: This variant is considered benign. This variant is a silent/synonymous amino acid change and it is not expected to impact splicing.

All of Us Research Program, National Institutes of Health
Classification: Likely benign for Classic or attenuated familial adenomatous polyposis. Last evaluated: 2023-12-01. Review status: criteria provided, single submitter. Criteria: ACMG Guidelines, 2015. Collection method: clinical testing. Allele origin: germline. Inheritance: Autosomal dominant inheritance. Observed: 3 variant alleles, 3 heterozygotes.
Comment: This study involves interpretation of variants in research participants for the purpose of population health screening. Participant phenotype was not available at the time of variant classification. Additional details can be found in publication PMID: 35346344, PMCID: PMC8962531

CeGaT Center for Human Genetics Tuebingen
Classification: Likely benign. Last evaluated: 2021-09-01. Review status: criteria provided, single submitter. Criteria: CeGaT Center For Human Genetics Tuebingen Variant Classification Criteria Version 2. Collection method: clinical testing. Allele origin: germline. Affected: yes. Observed: 1 variant allele.

Women's Health and Genetics/Laboratory Corporation of America, LabCorp
Classification: Likely benign. Last evaluated: 2019-08-20. Review status: criteria provided, single submitter. Criteria: LabCorp Variant Classification Summary - May 2015. Collection method: clinical testing. Allele origin: germline.

Color Diagnostics, LLC DBA Color Health
Classification: Likely benign for Hereditary cancer-predisposing syndrome. Last evaluated: 2017-04-11. Review status: criteria provided, single submitter. Criteria: ACMG Guidelines, 2015. Collection method: clinical testing. Allele origin: germline.

Ambry Genetics
Classification: Likely benign for Hereditary cancer-predisposing syndrome. Last evaluated: 2016-08-18. Review status: criteria provided, single submitter. Criteria: Ambry Variant Classification Scheme 2023. Collection method: clinical testing. Allele origin: germline.

NM_000038.6(APC):c.8008A>C (p.Arg2670=)

Gene: APC (APC regulator of Wnt signaling pathway; plus strand). Cytogenetic location: 5q22.2.
Variant type: single nucleotide variant.
Coding change: c.8008A>C on transcript NM_000038.6 (MANE Select); coding-DNA position 8008, A replaced by C.
Protein change: p.Arg2670=; no amino-acid change (arginine 2670 retained).
Molecular consequence: synonymous variant.
Genome position (GRCh38, 1-based): chr5:112,843,602, A>C. VCF-style: chr5-112843602-A-C. GRCh37 (hg19) VCF-style: chr5-112179299-A-C.
Other names: c.8008A>C, p.Arg2670= (NM_001127510.3, NM_001354895.2); c.7954A>C, p.Arg2652= (NM_001127511.3); c.8062A>C, p.Arg2688= (NM_001354896.2); c.8038A>C, p.Arg2680= (NM_001354897.2); c.7933A>C, p.Arg2645= (NM_001354898.2); c.7924A>C, p.Arg2642= (NM_001354899.2); c.7885A>C, p.Arg2629= (NM_001354900.2); c.7831A>C, p.Arg2611= (NM_001354901.2); and 5 more.
Identifiers: ClinVar variation 470121 (VCV000470121.54), dbSNP rs756875223, ClinGen allele CA125167823.